The following is an entry in ClinVar:

NM_001127222.2(CACNA1A):c.4089+5_4089+6del

Gene: CACNA1A (calcium voltage-gated channel subunit alpha1 A; minus strand). Cytogenetic location: 19p13.13.
Variant type: Microsatellite.
Coding change: c.4089+5_4089+6del on transcript NM_001127222.2 (MANE Select); bases 5 to 6 of the intron after coding-DNA position 4089, 2 bases deleted (GA; older notation c.4089+5_4089+6delGA).
Molecular consequence: intron variant.
Genome position (GRCh38, 1-based): chr19:13,262,728-13,262,729, TC deleted on the plus strand (GA on the coding strand, the reverse complement: CACNA1A is on the minus strand); deleting any 2 consecutive bases within chr19:13,262,728-13,262,731 gives the same sequence; the c. name uses the placement nearest the transcript's 3' end. VCF-style (leftmost placement, unchanged base first): chr19-13262727-ATC-A. GRCh37 (hg19) VCF-style: chr19-13373541-ATC-A.
Other names: c.4092+5_4092+6delGA (NM_001127221.1); c.4089+5_4089+6delGA (NM_001127222.1); c.4092+5_4092+6del (NM_001127221.2, NM_001174080.2); c.4101+5_4101+6del (NM_000068.4, NM_023035.3).
Identifiers: ClinVar variation 678614 (VCV000678614.16), dbSNP rs368911651, ClinGen allele CA9240101.

ClinVar aggregate classification (germline): Conflicting classifications of pathogenicity. Review status: criteria provided, conflicting classifications (1 of 4 stars). 4 submissions from 4 submitters: Uncertain significance (1); Benign (1); Likely benign (1). 1 of the submissions does not count toward it. Last evaluated 2026-10-20.

Conditions:
CACNA1A-related disorder. Also called: CACNA1A-related condition.
Episodic ataxia type 2 (EA2). Also called: ACETAZOLAMIDE-RESPONSIVE HEREDITARY PAROXYSMAL CEREBELLAR ATAXIA; ATAXIA, EPISODIC, WITH NYSTAGMUS; ATAXIA, FAMILIAL PAROXYSMAL; CEREBELLAR ATAXIA, PAROXYSMAL, ACETAZOLAMIDE-RESPONSIVE; CEREBELLOPATHY, HEREDITARY PAROXYSMAL; EPISODIC ATAXIA, NYSTAGMUS-ASSOCIATED. Identifiers: Orphanet 97, MedGen C1720416, MONDO:0007163, OMIM 108500.
Developmental and epileptic encephalopathy, 42 (DEE42A). Also called: DEVELOPMENTAL AND EPILEPTIC ENCEPHALOPATHY 42A; EPILEPTIC ENCEPHALOPATHY, EARLY INFANTILE, 42A; Epileptic encephalopathy, early infantile, 42. Identifiers: MedGen C4310716, MONDO:0014917, OMIM 617106.

Submissions (4):

GeneDx
Classification: Uncertain significance. Last evaluated: 2026-10-20. Review status: criteria provided, single submitter. Criteria: GeneDx Variant Classification Process June 2021. Collection method: clinical testing. Allele origin: germline.
Comment: Has not been previously published as pathogenic or benign to our knowledge; In silico analysis is inconclusive as to whether the variant alters gene splicing. In the absence of RNA/functional studies, the actual effect of this sequence change is unknown.

Labcorp Genetics (formerly Invitae), Labcorp
Classification: Likely benign for Developmental and epileptic encephalopathy, 42; Episodic ataxia type 2. Last evaluated: 2026-01-20. Review status: criteria provided, single submitter. Criteria: Invitae Variant Classification Sherloc (09022015). Collection method: clinical testing. Allele origin: germline.

Athena Diagnostics
Classification: Benign. Last evaluated: 2020-05-22. Review status: criteria provided, single submitter. Criteria: Athena Diagnostics Criteria. Collection method: clinical testing. Allele origin: unknown.

PreventionGenetics, part of Exact Sciences
Classification: Likely benign for CACNA1A-related condition. Last evaluated: 2023-08-10. Review status: no assertion criteria provided. Collection method: clinical testing. Allele origin: germline. Not counted in ClinVar's aggregate classification.
Comment: This variant is classified as likely benign based on ACMG/AMP sequence variant interpretation guidelines (Richards et al. 2015 PMID: 25741868, with internal and published modifications).